The following is an entry in ClinVar:

ClinVar aggregate classification (germline): Uncertain significance (1 of 4 stars; one submission).

Conditions:
Ullrich congenital muscular dystrophy 2 (UCMD2). Identifiers: Orphanet 75840, MedGen C4225314, MONDO:0014654, OMIM 616470.
Bethlem myopathy 2 (BTHLM2). Identifiers: Orphanet 536516, Orphanet 610, MedGen C4225313, MONDO:0034022, OMIM 616471.

Submission:

Labcorp Genetics (formerly Invitae), Labcorp
Classification: Uncertain significance for Bethlem myopathy 2; Ullrich congenital muscular dystrophy 2. Last evaluated: 2024-06-05. Review status: criteria provided, single submitter. Criteria: Invitae Variant Classification Sherloc (09022015). Collection method: clinical testing. Allele origin: germline.
Comment: This sequence change replaces valine, which is neutral and non-polar, with methionine, which is neutral and non-polar, at codon 2182 of the COL12A1 protein (p.Val2182Met). This variant is not present in population databases (gnomAD no frequency). This variant has not been reported in the literature in individuals affected with COL12A1-related conditions. Advanced modeling of protein sequence and biophysical properties (such as structural, functional, and spatial information, amino acid conservation, physicochemical variation, residue mobility, and thermodynamic stability) performed at Invitae indicates that this missense variant is not expected to disrupt COL12A1 protein function with a negative predictive value of 80%. In summary, the available evidence is currently insufficient to determine the role of this variant in disease. Therefore, it has been classified as a Variant of Uncertain Significance.

NM_004370.6(COL12A1):c.6544G>A (p.Val2182Met)

Gene: COL12A1 (collagen type XII alpha 1 chain; minus strand). Cytogenetic location: 6q13.
Variant type: single nucleotide variant.
Coding change: c.6544G>A on transcript NM_004370.6 (MANE Select); coding-DNA position 6544, G replaced by A.
Protein change: p.Val2182Met; replaces valine 2182 with methionine.
Molecular consequence: missense variant.
Genome position (GRCh38, 1-based): chr6:75,125,190, C>T on the plus strand (G>A on the coding strand, the complement: COL12A1 is on the minus strand). VCF-style: chr6-75125190-C-T. GRCh37 (hg19) VCF-style: chr6-75834906-C-T.
Other names: c.6544G>A, p.Val2182Met (NM_001424113.1); c.6523G>A, p.Val2175Met (NM_001424114.1); c.6271G>A, p.Val2091Met (NM_001424115.1); c.3052G>A, p.Val1018Met (NM_001424116.1, NM_080645.3); short protein forms V1018M, V2091M, V2175M, V2182M.
Identifiers: ClinVar variation 3748547 (VCV003748547.2).